The following is an entry in ClinVar:

ClinVar aggregate classification (germline): Uncertain significance (1 of 4 stars; one submission).

Allele frequency attached by ClinVar (database versions not stated): gnomAD exomes 0.00001; TOPMed 0.00001; ExAC 0.00002.
gnomAD v4.1: 3 of 1,613,926 alleles (0.00019%); highest among the groups gnomAD compares: Admixed American, 0.005%; no homozygotes.

Submission:

Labcorp Genetics (formerly Invitae), Labcorp
Classification: Uncertain significance. Last evaluated: 2024-09-03. Review status: criteria provided, single submitter. Criteria: Invitae Variant Classification Sherloc (09022015). Collection method: clinical testing. Allele origin: germline.
Comment: This sequence change replaces glutamine, which is neutral and polar, with histidine, which is basic and polar, at codon 259 of the SEC63 protein (p.Gln259His). This variant is present in population databases (rs765579565, gnomAD 0.01%). This variant has not been reported in the literature in individuals affected with SEC63-related conditions. An algorithm developed to predict the effect of missense changes on protein structure and function (PolyPhen-2) suggests that this variant is likely to be tolerated. In summary, the available evidence is currently insufficient to determine the role of this variant in disease. Therefore, it has been classified as a Variant of Uncertain Significance.

NM_007214.5(SEC63):c.777G>T (p.Gln259His)

Gene: SEC63 (SEC63 protein translocation regulator; minus strand). Cytogenetic location: 6q21.
Variant type: single nucleotide variant.
Coding change: c.777G>T on transcript NM_007214.5 (MANE Select); coding-DNA position 777, G replaced by T.
Protein change: p.Gln259His; replaces glutamine 259 with histidine.
Molecular consequence: missense variant.
Genome position (GRCh38, 1-based): chr6:107,906,734, C>A on the plus strand (G>T on the coding strand, the complement: SEC63 is on the minus strand). VCF-style: chr6-107906734-C-A. GRCh37 (hg19) VCF-style: chr6-108227938-C-A.
Other names: short protein forms Q259H.
Identifiers: ClinVar variation 2978704 (VCV002978704.3), dbSNP rs765579565, ClinGen allele CA3947586.